The following is an entry in ClinVar:

NM_030665.4(RAI1):c.3234T>G (p.Pro1078=)

Gene: RAI1 (retinoic acid induced 1; plus strand). Cytogenetic location: 17p11.2.
Variant type: single nucleotide variant.
Coding change: c.3234T>G on transcript NM_030665.4 (MANE Select); coding-DNA position 3234, T replaced by G.
Protein change: p.Pro1078=; no amino-acid change (proline 1078 retained).
Molecular consequence: synonymous variant.
Genome position (GRCh38, 1-based): chr17:17,796,182, T>G. VCF-style: chr17-17796182-T-G. GRCh37 (hg19) VCF-style: chr17-17699496-T-G.
Other names: c.3234T>G (NM_030665.3).
Identifiers: ClinVar variation 1531744 (VCV001531744.10), dbSNP rs960607578, ClinGen allele CA288370299.

ClinVar aggregate classification (germline): Likely benign. Review status: criteria provided, single submitter (1 of 4 stars). 2 submissions from 2 submitters: Likely benign (1). 1 of the submissions does not count toward it. Last evaluated 2025-12-01.

Conditions:
RAI1-related disorder. Also called: RAI1-related condition.

Allele frequency attached by ClinVar (database versions not stated): gnomAD exomes 0.00001; gnomAD 0.00002 and 0.00003; TOPMed 0.00006.
gnomAD v4.1: 8 of 1,555,110 alleles (0.00051%); highest among the groups gnomAD compares: Admixed American, 0.015%; 1 homozygote.

Submissions (2):

Labcorp Genetics (formerly Invitae), Labcorp
Classification: Likely benign. Last evaluated: 2025-12-01. Review status: criteria provided, single submitter. Criteria: Invitae Variant Classification Sherloc (09022015). Collection method: clinical testing. Allele origin: germline.

PreventionGenetics, part of Exact Sciences
Classification: Likely benign for RAI1-related condition. Last evaluated: 2022-05-10. Review status: no assertion criteria provided. Collection method: clinical testing. Allele origin: germline. Not counted in ClinVar's aggregate classification.
Comment: This variant is classified as likely benign based on ACMG/AMP sequence variant interpretation guidelines (Richards et al. 2015 PMID: 25741868, with internal and published modifications).